The following is an entry in ClinVar:

ClinVar aggregate classification (germline): Uncertain significance (1 of 4 stars; one submission).

Allele frequency attached by ClinVar (database versions not stated): gnomAD exomes below 0.00001; ExAC 0.00001; TOPMed 0.00001.
gnomAD v4.1: 2 of 1,611,892 alleles (0.00012%); highest among the groups gnomAD compares: Admixed American, 0.0034%; no homozygotes.

Submission:

GeneDx
Classification: Uncertain significance. Last evaluated: 2022-03-30. Review status: criteria provided, single submitter. Criteria: GeneDx Variant Classification Process June 2021. Collection method: clinical testing. Allele origin: germline. Affected: yes.
Comment: In silico analysis supports that this missense variant has a deleterious effect on protein structure/function; Has not been previously published as pathogenic or benign to our knowledge

NM_001277115.2(DNAH11):c.4850A>C (p.Tyr1617Ser)

Gene: DNAH11 (dynein axonemal heavy chain 11; plus strand). Cytogenetic location: 7p15.3.
Variant type: single nucleotide variant.
Coding change: c.4850A>C on transcript NM_001277115.2 (MANE Select); coding-DNA position 4850, A replaced by C.
Protein change: p.Tyr1617Ser; replaces tyrosine 1617 with serine.
Molecular consequence: missense variant.
Genome position (GRCh38, 1-based): chr7:21,638,971, A>C. VCF-style: chr7-21638971-A-C. GRCh37 (hg19) VCF-style: chr7-21678589-A-C.
Other names: c.4865A>C, p.Tyr1622Ser (NM_003777.3); short protein forms Y1617S, Y1622S.
Identifiers: ClinVar variation 1707740 (VCV001707740.2), dbSNP rs747775141, ClinGen allele CA4180199.
Genomic context (GRCh38, chr7:21,638,971, plus strand): 5'-TGCTTAAAAACATTTTTCATTCATGTAGGCTTTCTCTTTGTGAAAAAGCTCTCGCTGAAT[A>C]CCTGGAAACCAAGCGCATAGCCTTTCCTCGCTTCTATTTCGTCTCTTCTGCTGATTTACT-3'
Protein context (NP_001264044.1, residues 1607-1627): LSLCEKALAE[Tyr1617Ser]LETKRIAFPR